The following is an entry in ClinVar:

NM_007198.4(PLPBP):c.173A>G (p.Tyr58Cys)

Gene: PLPBP (pyridoxal phosphate binding protein; plus strand). Cytogenetic location: 8p11.23.
Variant type: single nucleotide variant.
Coding change: c.173A>G on transcript NM_007198.4 (MANE Select); coding-DNA position 173, A replaced by G.
Protein change: p.Tyr58Cys; replaces tyrosine 58 with cysteine.
Molecular consequence: missense variant.
Genome position (GRCh38, 1-based): chr8:37,765,599, A>G. VCF-style: chr8-37765599-A-G. GRCh37 (hg19) VCF-style: chr8-37623117-A-G.
Other names: c.173A>G, p.Tyr58Cys (NM_001349346.2, NM_001349347.2); c.17A>G, p.Tyr6Cys (NM_001349348.2); c.278A>G, p.Tyr93Cys (NM_001349349.1); short protein forms Y58C, Y6C, Y93C.
Identifiers: ClinVar variation 3899163 (VCV003899163.1).

ClinVar aggregate classification (germline): Uncertain significance (1 of 4 stars; one submission).

gnomAD v4.1: 3 of 1,614,068 alleles (0.00019%); highest among the groups gnomAD compares: Non-Finnish European, 0.00025%; no homozygotes.

Submission:

GeneDx
Classification: Uncertain significance. Last evaluated: 2024-11-06. Review status: criteria provided, single submitter. Criteria: GeneDx Variant Classification Process June 2021. Collection method: clinical testing. Allele origin: germline. Affected: yes.
Comment: Not observed at significant frequency in large population cohorts (gnomAD); In silico analysis supports that this missense variant has a deleterious effect on protein structure/function; Has not been previously published as pathogenic or benign to our knowledge